The following is an entry in ClinVar:

NM_177438.3(DICER1):c.3797A>G (p.Asp1266Gly)

Gene: DICER1 (dicer 1, ribonuclease III; minus strand). Cytogenetic location: 14q32.13.
Variant type: single nucleotide variant.
Coding change: c.3797A>G on transcript NM_177438.3 (MANE Select); coding-DNA position 3797, A replaced by G.
Protein change: p.Asp1266Gly; replaces aspartic acid 1266 with glycine.
Molecular consequence: missense variant.
Genome position (GRCh38, 1-based): chr14:95,103,599, T>C on the plus strand (A>G on the coding strand, the complement: DICER1 is on the minus strand). VCF-style: chr14-95103599-T-C. GRCh37 (hg19) VCF-style: chr14-95569936-T-C.
Other names: c.3797A>G, p.Asp1266Gly (NM_001195573.1, NM_001271282.3, NM_001291628.2 and 1 more transcripts); short protein forms D1266G.
Identifiers: ClinVar variation 971903 (VCV000971903.10), dbSNP rs368610812, ClinGen allele CA390873430.

ClinVar aggregate classification (germline): Conflicting classifications of pathogenicity. Review status: criteria provided, conflicting classifications (1 of 4 stars). 2 submissions from 2 submitters: Uncertain significance (1); Likely benign (1). Last evaluated 2024-04-09.

Conditions:
Hereditary cancer-predisposing syndrome. Also called: Tumor predisposition; Hereditary Cancer Syndrome; Neoplastic Syndromes, Hereditary; Hereditary neoplastic syndrome. Identifiers: Orphanet 140162, MedGen C0027672, MeSH D009386, MONDO:0015356.
DICER1-related tumor predisposition. Also called: DICER1-related pleuropulmonary blastoma cancer predisposition syndrome; DICER1 syndrome. Identifiers: Orphanet 284343, MedGen C3839822, MONDO:0100216.

Submissions (2):

Ambry Genetics
Classification: Likely benign for Hereditary cancer-predisposing syndrome. Last evaluated: 2024-04-09. Review status: criteria provided, single submitter. Criteria: Ambry Variant Classification Scheme 2023. Collection method: clinical testing. Allele origin: germline.

Labcorp Genetics (formerly Invitae), Labcorp
Classification: Uncertain significance for DICER1-related tumor predisposition. Last evaluated: 2021-09-22. Review status: criteria provided, single submitter. Criteria: Invitae Variant Classification Sherloc (09022015). Collection method: clinical testing. Allele origin: germline.
Comment: This sequence change replaces aspartic acid with glycine at codon 1266 of the DICER1 protein (p.Asp1266Gly). The aspartic acid residue is weakly conserved and there is a moderate physicochemical difference between aspartic acid and glycine. This variant is not present in population databases (ExAC no frequency). This variant has not been reported in the literature in individuals affected with DICER1-related conditions. Algorithms developed to predict the effect of missense changes on protein structure and function output the following: SIFT: "Tolerated"; PolyPhen-2: "Benign"; Align-GVGD: "Class C0". The glycine amino acid residue is found in multiple mammalian species, which suggests that this missense change does not adversely affect protein function. In summary, the available evidence is currently insufficient to determine the role of this variant in disease. Therefore, it has been classified as a Variant of Uncertain Significance.